The following is an entry in ClinVar:

NM_005732.4(RAD50):c.2687C>G (p.Thr896Ser)

Gene: RAD50 (RAD50 double strand break repair protein; plus strand). Cytogenetic location: 5q31.1.
Variant type: single nucleotide variant.
Coding change: c.2687C>G on transcript NM_005732.4 (MANE Select); coding-DNA position 2687, C replaced by G.
Protein change: p.Thr896Ser; replaces threonine 896 with serine.
Molecular consequence: missense variant.
Genome position (GRCh38, 1-based): chr5:132,604,968, C>G. VCF-style: chr5-132604968-C-G. GRCh37 (hg19) VCF-style: chr5-131940660-C-G.
Other names: short protein forms T896S.
Identifiers: ClinVar variation 1054120 (VCV001054120.9), dbSNP rs2149847852, ClinGen allele CA360956888.

ClinVar aggregate classification (germline): Uncertain significance (1 of 4 stars; one submission).

Conditions:
Hereditary cancer-predisposing syndrome. Also called: Hereditary Cancer Syndrome; Tumor predisposition; Hereditary neoplastic syndrome; Neoplastic Syndromes, Hereditary. Identifiers: Orphanet 140162, MedGen C0027672, MeSH D009386, MONDO:0015356.

Submission:

Labcorp Genetics (formerly Invitae), Labcorp
Classification: Uncertain significance for Hereditary cancer-predisposing syndrome. Last evaluated: 2020-02-24. Review status: criteria provided, single submitter. Criteria: Invitae Variant Classification Sherloc (09022015). Collection method: clinical testing. Allele origin: germline.
Comment: This variant has not been reported in the literature in individuals with RAD50-related conditions. This variant is not present in population databases (ExAC no frequency). This sequence change replaces threonine with serine at codon 896 of the RAD50 protein (p.Thr896Ser). The threonine residue is moderately conserved and there is a small physicochemical difference between threonine and serine. Algorithms developed to predict the effect of missense changes on protein structure and function (SIFT, PolyPhen-2, Align-GVGD) all suggest that this variant is likely to be tolerated, but these predictions have not been confirmed by published functional studies and their clinical significance is uncertain. In summary, the available evidence is currently insufficient to determine the role of this variant in disease. Therefore, it has been classified as a Variant of Uncertain Significance.